The following is an entry in ClinVar:

ClinVar aggregate classification (germline): Uncertain significance (1 of 4 stars; one submission).

Conditions:
Cardiovascular phenotype. Identifiers: MedGen CN230736.

Submission:

Ambry Genetics
Classification: Uncertain significance for Cardiovascular phenotype. Last evaluated: 2020-08-17. Review status: criteria provided, single submitter. Criteria: Ambry Variant Classification Scheme 2023. Collection method: clinical testing. Allele origin: germline.
Comment: The p.T1345S variant (also known as c.4034C>G), located in coding exon 23 of the FLNC gene, results from a C to G substitution at nucleotide position 4034. The threonine at codon 1345 is replaced by serine, an amino acid with similar properties. This amino acid position is not well conserved in available vertebrate species. In addition, this alteration is predicted to be tolerated by in silico analysis. Since supporting evidence is limited at this time, the clinical significance of this alteration remains unclear.

NM_001458.5(FLNC):c.4034C>G (p.Thr1345Ser)

Gene: FLNC (filamin C; plus strand). Cytogenetic location: 7q32.1.
Variant type: single nucleotide variant.
Coding change: c.4034C>G on transcript NM_001458.5 (MANE Select); coding-DNA position 4034, C replaced by G.
Protein change: p.Thr1345Ser; replaces threonine 1345 with serine.
Molecular consequence: missense variant.
Genome position (GRCh38, 1-based): chr7:128,846,370, C>G. VCF-style: chr7-128846370-C-G. GRCh37 (hg19) VCF-style: chr7-128486424-C-G.
Other names: c.4034C>G, p.Thr1345Ser (NM_001127487.2); short protein forms T1345S.
Identifiers: ClinVar variation 1737227 (VCV001737227.2), dbSNP rs2536642124, ClinGen allele CA369198982.